The following is an entry in ClinVar:

ClinVar aggregate classification (germline): Likely benign (1 of 4 stars; one submission).

Submission:

CeGaT Center for Human Genetics Tuebingen
Classification: Likely benign. Last evaluated: 2025-05-01. Review status: criteria provided, single submitter. Criteria: CeGaT Center For Human Genetics Tuebingen Variant Classification Criteria Version 2. Collection method: clinical testing. Allele origin: germline. Affected: yes. Observed: 1 variant allele.
Comment: DNMT3B: PM2:Supporting, BP4, BP7

NM_006892.4(DNMT3B):c.144C>T (p.Gly48=)

Gene: DNMT3B (DNA methyltransferase 3 beta; plus strand). Cytogenetic location: 20q11.21.
Variant type: single nucleotide variant.
Coding change: c.144C>T on transcript NM_006892.4 (MANE Select); coding-DNA position 144, C replaced by T.
Protein change: p.Gly48=; no amino-acid change (glycine 48 retained).
Molecular consequence: synonymous variant.
Genome position (GRCh38, 1-based): chr20:32,781,354, C>T. VCF-style: chr20-32781354-C-T. GRCh37 (hg19) VCF-style: chr20-31369160-C-T.
Other names: c.144C>T, p.Gly48= (NM_001207055.2, NM_001207056.2, NM_001424351.1 and 9 more transcripts); c.180C>T, p.Gly60= (NM_001424359.1, NM_001424360.1, NM_175850.3).
Identifiers: ClinVar variation 3905905 (VCV003905905.10).